The following is an entry in ClinVar:

ClinVar aggregate classification (germline): Uncertain significance (1 of 4 stars; one submission).

Conditions:
Developmental and epileptic encephalopathy. Identifiers: MedGen C5779964, MONDO:0100620.

Allele frequency attached by ClinVar (database versions not stated): gnomAD 0.00001.
gnomAD v4.1: 1 of 1,612,960 alleles (0.000062%); highest among the groups gnomAD compares: Admixed American, 0.0017%; no homozygotes.

Submission:

Labcorp Genetics (formerly Invitae), Labcorp
Classification: Uncertain significance for Early-infantile DEE. Last evaluated: 2022-02-20. Review status: criteria provided, single submitter. Criteria: Invitae Variant Classification Sherloc (09022015). Collection method: clinical testing. Allele origin: germline.
Comment: In summary, the available evidence is currently insufficient to determine the role of this variant in disease. Therefore, it has been classified as a Variant of Uncertain Significance. Algorithms developed to predict the effect of missense changes on protein structure and function are either unavailable or do not agree on the potential impact of this missense change (SIFT: "Deleterious"; PolyPhen-2: "Probably Damaging"; Align-GVGD: "Class C0"). This variant has not been reported in the literature in individuals affected with CACNA2D2-related conditions. This variant is not present in population databases (gnomAD no frequency). This sequence change replaces arginine, which is basic and polar, with tryptophan, which is neutral and slightly polar, at codon 623 of the CACNA2D2 protein (p.Arg623Trp).

NM_006030.4(CACNA2D2):c.1867C>T (p.Arg623Trp)

Gene: CACNA2D2 (calcium voltage-gated channel auxiliary subunit alpha2delta 2; minus strand). Cytogenetic location: 3p21.31.
Variant type: single nucleotide variant.
Coding change: c.1867C>T on transcript NM_006030.4 (MANE Select); coding-DNA position 1867, C replaced by T.
Protein change: p.Arg623Trp; replaces arginine 623 with tryptophan.
Molecular consequence: missense variant.
Genome position (GRCh38, 1-based): chr3:50,375,684, G>A on the plus strand (C>T on the coding strand, the complement: CACNA2D2 is on the minus strand). VCF-style: chr3-50375684-G-A. GRCh37 (hg19) VCF-style: chr3-50413115-G-A.
Other names: c.1867C>T, p.Arg623Trp (NM_001005505.3, NM_001174051.3, NM_001410768.1); c.1660C>T, p.Arg554Trp (NM_001291101.1); short protein forms R554W, R623W.
Identifiers: ClinVar variation 2087120 (VCV002087120.2), dbSNP rs1704935228, ClinGen allele CA352923694.